The following is an entry in ClinVar:

NM_006258.4(PRKG1):c.406C>T (p.Pro136Ser)

Gene: PRKG1 (protein kinase cGMP-dependent 1; plus strand). Cytogenetic location: 10q21.1.
Variant type: single nucleotide variant.
Coding change: c.406C>T on transcript NM_006258.4 (MANE Select); coding-DNA position 406, C replaced by T.
Protein change: p.Pro136Ser; replaces proline 136 with serine.
Molecular consequence: missense variant.
Genome position (GRCh38, 1-based): chr10:51,153,258, C>T. VCF-style: chr10-51153258-C-T. GRCh37 (hg19) VCF-style: chr10-52913018-C-T.
Other names: c.361C>T, p.Pro121Ser (NM_001098512.3); c.406C>T, p.Pro136Ser (NM_001374782.1); short protein forms P121S, P136S.
Identifiers: ClinVar variation 2173700 (VCV002173700.4), dbSNP rs2538641753, ClinGen allele CA376827501.

ClinVar aggregate classification (germline): Uncertain significance (1 of 4 stars; one submission).

Conditions:
Aortic aneurysm, familial thoracic 8 (AAT8). Identifiers: MedGen C3809513, MONDO:0014187, OMIM 615436.

Submission:

Labcorp Genetics (formerly Invitae), Labcorp
Classification: Uncertain significance for Aortic aneurysm, familial thoracic 8. Last evaluated: 2022-05-18. Review status: criteria provided, single submitter. Criteria: Invitae Variant Classification Sherloc (09022015). Collection method: clinical testing. Allele origin: germline.
Comment: This variant has not been reported in the literature in individuals affected with PRKG1-related conditions. This variant is not present in population databases (gnomAD no frequency). This sequence change replaces proline, which is neutral and non-polar, with serine, which is neutral and polar, at codon 136 of the PRKG1 protein (p.Pro136Ser). In summary, the available evidence is currently insufficient to determine the role of this variant in disease. Therefore, it has been classified as a Variant of Uncertain Significance. Algorithms developed to predict the effect of missense changes on protein structure and function (SIFT, PolyPhen-2, Align-GVGD) all suggest that this variant is likely to be tolerated.